The following is an entry in ClinVar:

NM_001367721.1(CASK):c.1439T>C (p.Met480Thr)

Gene: CASK (calcium/calmodulin dependent serine protein kinase; minus strand). Cytogenetic location: Xp11.4.
Variant type: single nucleotide variant.
Coding change: c.1439T>C on transcript NM_001367721.1 (MANE Select); coding-DNA position 1439, T replaced by C.
Protein change: p.Met480Thr; replaces methionine 480 with threonine.
Molecular consequence: missense variant.
Genome position (GRCh38, 1-based): chrX:41,578,404, A>G on the plus strand (T>C on the coding strand, the complement: CASK is on the minus strand). VCF-style: chrX-41578404-A-G. GRCh37 (hg19) VCF-style: chrX-41437657-A-G.
Other names: c.1439T>C, p.Met480Thr (NM_001126054.3, NM_003688.4); c.1421T>C, p.Met474Thr (NM_001126055.3, NM_001410745.1); short protein forms M474T, M480T.
Identifiers: ClinVar variation 1060839 (VCV001060839.9), dbSNP rs2147201151, ClinGen allele CA412997504.

ClinVar aggregate classification (germline): Uncertain significance (1 of 4 stars; one submission).

Conditions:
Intellectual disability, CASK-related, X-linked. Identifiers: MedGen CN043158.

Submission:

Labcorp Genetics (formerly Invitae), Labcorp
Classification: Uncertain significance for Intellectual disability, CASK-related, X-linked. Last evaluated: 2022-10-17. Review status: criteria provided, single submitter. Criteria: Invitae Variant Classification Sherloc (09022015). Collection method: clinical testing. Allele origin: germline.
Comment: This sequence change replaces methionine, which is neutral and non-polar, with threonine, which is neutral and polar, at codon 480 of the CASK protein (p.Met480Thr). In summary, the available evidence is currently insufficient to determine the role of this variant in disease. Therefore, it has been classified as a Variant of Uncertain Significance. Advanced modeling of protein sequence and biophysical properties (such as structural, functional, and spatial information, amino acid conservation, physicochemical variation, residue mobility, and thermodynamic stability) has been performed at Invitae for this missense variant, however the output from this modeling did not meet the statistical confidence thresholds required to predict the impact of this variant on CASK protein function. ClinVar contains an entry for this variant (Variation ID: 1060839). This missense change has been observed in at least one individual who was not affected with CASK-related conditions (Invitae). This variant has not been reported in the literature in individuals affected with CASK-related conditions. This variant is not present in population databases (gnomAD no frequency).